The following is an entry in ClinVar:

ClinVar aggregate classification (germline): Conflicting classifications of pathogenicity. Review status: criteria provided, conflicting classifications (1 of 4 stars). 3 submissions from 3 submitters: Likely pathogenic (1); Uncertain significance (1). 1 of the submissions does not count toward it. Last evaluated 2024-06-26.

Conditions:
KLHL3-related disorder. Also called: KLHL3-related condition.
Pseudohypoaldosteronism type 2D (PHA2D). Also called: Pseudohypoaldosteronism Type IID; FAMILIAL HYPERKALEMIC HYPERTENSION; PSEUDOHYPOALDOSTERONISM, TYPE IID, AUTOSOMAL DOMINANT OR RECESSIVE. Identifiers: Orphanet 300525, Orphanet 757, MedGen C3469605, MONDO:0013781, OMIM 614495.
Pseudohypoaldosteronism type 2A (PHA2A). Also called: GORDON HYPERKALEMIA-HYPERTENSION SYNDROME; HYPERTENSIVE HYPERKALEMIA, FAMILIAL. Identifiers: Orphanet 757, Orphanet 88938, MedGen C1840389, MONDO:0007772, OMIM 145260.

Submissions (3):

Blueprint Genetics
Classification: Likely pathogenic for KLHL3-related disorders. Last evaluated: 2024-06-26. Review status: criteria provided, single submitter. Criteria: ACMG Guidelines, 2015. Collection method: clinical testing. Allele origin: germline. Affected: yes. Observed: 1 variant allele.

3billion
Classification: Uncertain significance for Pseudohypoaldosteronism type 2D. Last evaluated: 2022-01-03. Review status: criteria provided, single submitter. Criteria: ACMG Guidelines, 2015. Collection method: clinical testing. Allele origin: germline. Affected: yes. Observed: 1 heterozygote.
Comment: Same nucleotide change resulting in same amino acid change has been previously reported to be associated with KLHL3 related disorder (ClinVar ID: VCV000100536, PS1_P). In silico tool predictions suggest damaging effect of the variant on gene or gene product (REVEL: 0.768, 3CNET: 0.774, PP3_P). A missense variant is a common mechanism associated with Pseudohypoaldosteronism (PP2_P). It is not observed in the gnomAD v2.1.1 dataset (PM2_M). Therefore, this variant is classified as uncertain significance according to the recommendation of ACMG/AMP guideline.

Richard Lifton Laboratory, Yale University School of Medicine
Classification: Pathogenic for Pseudohypoaldosteronism, type 2. Review status: no assertion criteria provided. Collection method: not provided. Allele origin: germline. Not counted in ClinVar's aggregate classification.
Comment: dominant;Kelch propeller domain
ClinVar note: Converted during submission from pathogenic to Pathogenic.

NM_017415.3(KLHL3):c.1160T>C (p.Leu387Pro)

Gene: KLHL3 (kelch like family member 3; minus strand). Cytogenetic location: 5q31.2.
Variant type: single nucleotide variant.
Coding change: c.1160T>C on transcript NM_017415.3 (MANE Select); coding-DNA position 1160, T replaced by C.
Protein change: p.Leu387Pro; replaces leucine 387 with proline.
Molecular consequence: missense variant.
Genome position (GRCh38, 1-based): chr5:137,639,012, A>G on the plus strand (T>C on the coding strand, the complement: KLHL3 is on the minus strand). VCF-style: chr5-137639012-A-G. GRCh37 (hg19) VCF-style: chr5-136974701-A-G.
Other names: c.1064T>C, p.Leu355Pro (NM_001257194.1); c.914T>C, p.Leu305Pro (NM_001257195.2); short protein forms L387P, L305P, L355P.
Identifiers: ClinVar variation 100536 (VCV000100536.5), dbSNP rs199469630, ClinGen allele CA269976.